The following is an entry in ClinVar:

NM_000400.4(ERCC2):c.923C>T (p.Pro308Leu)

Gene: ERCC2 (ERCC excision repair 2, TFIIH core complex helicase subunit; minus strand). Cytogenetic location: 19q13.32.
Variant type: single nucleotide variant.
Coding change: c.923C>T on transcript NM_000400.4 (MANE Select); coding-DNA position 923, C replaced by T.
Protein change: p.Pro308Leu; replaces proline 308 with leucine.
Molecular consequence: missense variant.
Genome position (GRCh38, 1-based): chr19:45,364,012, G>A on the plus strand (C>T on the coding strand, the complement: ERCC2 is on the minus strand). VCF-style: chr19-45364012-G-A. GRCh37 (hg19) VCF-style: chr19-45867270-G-A.
Other names: c.851C>T, p.Pro284Leu (NM_001130867.2); short protein forms P284L, P308L.
Identifiers: ClinVar variation 1766294 (VCV001766294.2), dbSNP rs2123287736, ClinGen allele CA406373366.

ClinVar aggregate classification (germline): Uncertain significance (1 of 4 stars; one submission).

Conditions:
Inborn genetic diseases. Identifiers: MedGen C0950123, MeSH D030342.

Submission:

Ambry Genetics
Classification: Uncertain significance for Inborn genetic diseases. Last evaluated: 2021-09-01. Review status: criteria provided, single submitter. Criteria: Ambry Variant Classification Scheme 2023. Collection method: clinical testing. Allele origin: germline.
Comment: The p.P308L variant (also known as c.923C>T), located in coding exon 10 of the ERCC2 gene, results from a C to T substitution at nucleotide position 923. The proline at codon 308 is replaced by leucine, an amino acid with similar properties. This amino acid position is conserved. In addition, this alteration is predicted to be deleterious by in silico analysis. Since supporting evidence is limited at this time, the clinical significance of this alteration remains unclear.